The following is an entry in ClinVar:

ClinVar aggregate classification (germline): Uncertain significance. Review status: criteria provided, multiple submitters, no conflicts (2 of 4 stars). 3 submissions from 3 submitters: Uncertain significance (2). 1 of the submissions does not count toward it. Last evaluated 2024-11-11.

Conditions:
Glucose-6-phosphate transport defect (GSD1B). Also called: Glycogen Storage Disease Type Ib; GSD Ib. Identifiers: Orphanet 364, Orphanet 79259, MedGen C0268146, MONDO:0009288, OMIM 232220.
Congenital disorder of glycosylation, type IIw. Identifiers: MedGen C5561986, MONDO:0030437, OMIM 619525.
Phosphate transport defect (GSD1C). Also called: GLYCOGEN STORAGE DISEASE Ic; GSD Ic. Identifiers: Orphanet 364, Orphanet 79259, MedGen C0342749, OMIM 232240.

Allele frequency attached by ClinVar (database versions not stated): gnomAD exomes below 0.00001 and 0.00003; ExAC 0.00002.

Submissions (3):

Labcorp Genetics (formerly Invitae), Labcorp
Classification: Uncertain significance for Glucose-6-phosphate transport defect. Last evaluated: 2024-11-11. Review status: criteria provided, single submitter. Criteria: Invitae Variant Classification Sherloc (09022015). Collection method: clinical testing. Allele origin: germline.
Comment: This sequence change replaces leucine, which is neutral and non-polar, with phenylalanine, which is neutral and non-polar, at codon 182 of the SLC37A4 protein (p.Leu182Phe). This variant is present in population databases (rs775311483, gnomAD 0.01%). This variant has not been reported in the literature in individuals affected with SLC37A4-related conditions. ClinVar contains an entry for this variant (Variation ID: 861812). Invitae Evidence Modeling of protein sequence and biophysical properties (such as structural, functional, and spatial information, amino acid conservation, physicochemical variation, residue mobility, and thermodynamic stability) indicates that this missense variant is not expected to disrupt SLC37A4 protein function with a negative predictive value of 80%. In summary, the available evidence is currently insufficient to determine the role of this variant in disease. Therefore, it has been classified as a Variant of Uncertain Significance.

Fulgent Genetics
Classification: Uncertain significance for Glucose-6-phosphate transport defect; Phosphate transport defect; Congenital disorder of glycosylation, type IIw. Last evaluated: 2021-08-12. Review status: criteria provided, single submitter. Criteria: ACMG Guidelines, 2015. Collection method: clinical testing. Allele origin: unknown.

Natera, Inc.
Classification: Uncertain significance for Glycogen storage disease type Ib. Last evaluated: 2020-12-14. Review status: no assertion criteria provided. Collection method: clinical testing. Allele origin: germline. Not counted in ClinVar's aggregate classification.

NM_001164277.2(SLC37A4):c.544C>T (p.Leu182Phe)

Gene: SLC37A4 (solute carrier family 37 member 4; minus strand). Cytogenetic location: 11q23.3.
Variant type: single nucleotide variant.
Coding change: c.544C>T on transcript NM_001164277.2 (MANE Select); coding-DNA position 544, C replaced by T.
Protein change: p.Leu182Phe; replaces leucine 182 with phenylalanine.
Molecular consequence: missense variant.
Genome position (GRCh38, 1-based): chr11:119,027,709, G>A on the plus strand (C>T on the coding strand, the complement: SLC37A4 is on the minus strand). VCF-style: chr11-119027709-G-A. GRCh37 (hg19) VCF-style: chr11-118898419-G-A.
Other names: c.544C>T, p.Leu182Phe (NM_001164278.2, NM_001164280.2, NM_001467.6); c.325C>T, p.Leu109Phe (NM_001164279.2); short protein forms L182F, L109F.
Identifiers: ClinVar variation 861812 (VCV000861812.12), dbSNP rs775311483, ClinGen allele CA6311813.